The following is an entry in ClinVar:

NM_000059.4(BRCA2):c.2842dup (p.Val948fs)

Gene: BRCA2 (BRCA2 DNA repair associated; plus strand). Cytogenetic location: 13q13.1.
Variant type: Duplication.
Coding change: c.2842dup on transcript NM_000059.4 (MANE Select); coding-DNA position 2842, one base duplicated (G; older notation c.2842dupG).
Protein change: p.Val948fs; shifts the reading frame from valine 948.
Molecular consequence: frameshift variant.
Genome position (GRCh38, 1-based): chr13:32,337,197, G duplicated; the last of 2 consecutive G bases (chr13:32,337,196-32,337,197); duplicating either gives the same sequence. VCF-style (leftmost placement, unchanged base first): chr13-32337195-T-TG. GRCh37 (hg19) VCF-style: chr13-32911332-T-TG.
Other names: 3070insG; c.2842dupG (NM_000059.3); c.2842dup (NM_000059.3); short protein forms V948fs.
Identifiers: ClinVar variation 125997 (VCV000125997.6), dbSNP rs80359359, ClinGen allele CA016597.

ClinVar aggregate classification (germline): Pathogenic. Review status: reviewed by expert panel (3 of 4 stars). 4 submissions from 4 submitters: Pathogenic (1). 3 of the submissions do not count toward it. Last evaluated 2016-09-08.

Conditions:
Hereditary cancer-predisposing syndrome. Also called: Tumor predisposition; Hereditary Cancer Syndrome; Neoplastic Syndromes, Hereditary; Hereditary neoplastic syndrome. Identifiers: Orphanet 140162, MedGen C0027672, MeSH D009386, MONDO:0015356.
Breast-ovarian cancer, familial, susceptibility to, 2 (BROVCA2). Also called: BRCA2 Hereditary Breast and Ovarian Cancer. Identifiers: Orphanet 145, MedGen C2675520, MONDO:0012933, OMIM 612555. Disease mechanism: loss of function.

Submissions (4):

Evidence-based Network for the Interpretation of Germline Mutant Alleles (ENIGMA)
Classification: Pathogenic for Breast-ovarian cancer, familial, susceptibility to, 2. Last evaluated: 2016-09-08. Review status: reviewed by expert panel. Criteria: ENIGMA BRCA1/2 Classification Criteria (2015). Collection method: curation. Allele origin: germline.
Comment: Variant allele predicted to encode a truncated non-functional protein.

Quest Diagnostics Nichols Institute San Juan Capistrano
Classification: Pathogenic. Last evaluated: 2023-12-21. Review status: criteria provided, single submitter. Criteria: Quest Diagnostics criteria. Collection method: clinical testing. Allele origin: unknown. Not counted in ClinVar's aggregate classification.
Comment: The BRCA2 c.2842dup (p.Val948Glyfs*11) variant alters the translational reading frame of the BRCA2 mRNA and causes the premature termination of BRCA2 protein synthesis. This variant has been reported in the published literature in an individual with contralateral invasive breast cancer (PMID: 36091166 (2022)). This variant has not been reported in large, multi-ethnic general populations (Genome Aggregation Database). Based on the available information, this variant is classified as pathogenic.

Ambry Genetics
Classification: Pathogenic for Hereditary cancer-predisposing syndrome. Last evaluated: 2023-08-24. Review status: criteria provided, single submitter. Criteria: Ambry Variant Classification Scheme 2023. Collection method: clinical testing. Allele origin: germline. Not counted in ClinVar's aggregate classification.
Comment: The c.2842dupG pathogenic mutation, located in coding exon 10 of the BRCA2 gene, results from a duplication of G at nucleotide position 2842, causing a translational frameshift with a predicted alternate stop codon (p.V948Gfs*11). This alteration is expected to result in loss of function by premature protein truncation or nonsense-mediated mRNA decay. As such, this alteration is interpreted as a disease-causing mutation.

Breast Cancer Information Core (BIC) (BRCA2)
Classification: Pathogenic for Breast-ovarian cancer, familial 2. Last evaluated: 2003-12-23. Review status: no assertion criteria provided. Collection method: clinical testing. Allele origin: germline. Affected: yes. Observed: 1 variant allele. Not counted in ClinVar's aggregate classification.

Literature cited by the submitters: PubMed 36091166 (cited by Quest Diagnostics Nichols Institute San Juan Capistrano).